The following is an entry in ClinVar:

ClinVar aggregate classification (germline): Benign (1 of 4 stars; one submission).

Conditions:
Familial cancer of breast. Also called: hereditary breast carcinoma; Hereditary breast cancer; BREAST CANCER, FAMILIAL. Identifiers: Orphanet 227535, MedGen C0346153, MONDO:0016419, OMIM 114480. Disease mechanism: loss of function.

Submission:

Myriad Genetics, Inc.
Classification: Benign for Familial cancer of breast. Last evaluated: 2024-09-05. Review status: criteria provided, single submitter. Criteria: Myriad Autosomal Dominant, Autosomal Recessive and X-Linked Classification Criteria (2023). Collection method: clinical testing. Allele origin: unknown.
Comment: This variant is considered benign. This variant is a silent/synonymous amino acid change and it is not expected to impact splicing.

NM_032043.3(BRIP1):c.2727T>G (p.Leu909=)

Gene: BRIP1 (BRCA1 interacting DNA helicase 1; minus strand). Cytogenetic location: 17q23.2.
Variant type: single nucleotide variant.
Coding change: c.2727T>G on transcript NM_032043.3 (MANE Select); coding-DNA position 2727, T replaced by G.
Protein change: p.Leu909=; no amino-acid change (leucine 909 retained).
Molecular consequence: synonymous variant.
Genome position (GRCh38, 1-based): chr17:61,686,014, A>C on the plus strand (T>G on the coding strand, the complement: BRIP1 is on the minus strand). VCF-style: chr17-61686014-A-C. GRCh37 (hg19) VCF-style: chr17-59763375-A-C.
Identifiers: ClinVar variation 3378511 (VCV003378511.1).